The following is an entry in ClinVar:

ClinVar aggregate classification (germline): Uncertain significance (1 of 4 stars; one submission).

Submission:

Labcorp Genetics (formerly Invitae), Labcorp
Classification: Uncertain significance. Last evaluated: 2023-03-10. Review status: criteria provided, single submitter. Criteria: Invitae Variant Classification Sherloc (09022015). Collection method: clinical testing. Allele origin: germline.
Comment: This variant, c.57_58insCCC, results in the insertion of 1 amino acid(s) of the FOXF1 protein (p.Gly19_Gly20insPro), but otherwise preserves the integrity of the reading frame. This variant is not present in population databases (gnomAD no frequency). This variant has not been reported in the literature in individuals affected with FOXF1-related conditions. In summary, the available evidence is currently insufficient to determine the role of this variant in disease. Therefore, it has been classified as a Variant of Uncertain Significance.

NM_001451.3(FOXF1):c.57_58insCCC (p.Gly19_Gly20insPro)

Gene: FOXF1 (forkhead box F1; plus strand). Cytogenetic location: 16q24.1.
Variant type: Insertion.
Coding change: c.57_58insCCC on transcript NM_001451.3 (MANE Select); coding-DNA positions 57 to 58, CCC inserted.
Protein change: p.Gly19_Gly20insPro.
Molecular consequence: inframe insertion.
Genome position: GRCh38 VCF-style: chr16-86510625-G-GCCC. GRCh37 (hg19) VCF-style: chr16-86544231-G-GCCC.
Identifiers: ClinVar variation 2997252 (VCV002997252.3), dbSNP rs1010196502, ClinGen allele CA285810072.